The following is an entry in ClinVar:

NM_057175.5(NAA15):c.811+3A>G

Gene: NAA15 (N-alpha-acetyltransferase 15, NatA auxiliary subunit; plus strand). Cytogenetic location: 4q31.1.
Variant type: single nucleotide variant.
Coding change: c.811+3A>G on transcript NM_057175.5 (MANE Select); 3 bases into the intron after coding-DNA position 811, A replaced by G.
Molecular consequence: intron variant.
Genome position (GRCh38, 1-based): chr4:139,349,584, A>G. VCF-style: chr4-139349584-A-G. GRCh37 (hg19) VCF-style: chr4-140270738-A-G.
Other names: c.811+3A>G (NM_001410842.1).
Identifiers: ClinVar variation 4279020 (VCV004279020.1).

ClinVar aggregate classification (germline): Uncertain significance (1 of 4 stars; one submission).

Conditions:
Intellectual developmental disorder, autosomal dominant 50, with behavioral abnormalities. Also called: MENTAL RETARDATION, AUTOSOMAL DOMINANT 50; Intellectual disability, autosomal dominant 50. Identifiers: MedGen C4540470, MONDO:0030916, OMIM 617787.

gnomAD v4.1: 1 of 1,593,990 alleles (0.000063%); highest among the groups gnomAD compares: Non-Finnish European, 0.000085%; no homozygotes.

Submission:

Institute of Human Genetics, University of Leipzig Medical Center
Classification: Uncertain significance for Intellectual developmental disorder, autosomal dominant 50, with behavioral abnormalities. Last evaluated: 2025-09-02. Review status: criteria provided, single submitter. Criteria: ACMG Guidelines, 2015. Collection method: clinical testing. Allele origin: unknown. Inheritance: Autosomal dominant inheritance. Affected: yes.
Comment: Criteria applied: PM2_SUP,PP3